The following is an entry in ClinVar:

NM_006846.4(SPINK5):c.1028A>G (p.Glu343Gly)

Gene: SPINK5 (serine peptidase inhibitor Kazal type 5; plus strand). Cytogenetic location: 5q32.
Variant type: single nucleotide variant.
Coding change: c.1028A>G on transcript NM_006846.4 (MANE Select); coding-DNA position 1028, A replaced by G.
Protein change: p.Glu343Gly; replaces glutamic acid 343 with glycine.
Molecular consequence: missense variant.
Genome position (GRCh38, 1-based): chr5:148,099,251, A>G. VCF-style: chr5-148099251-A-G. GRCh37 (hg19) VCF-style: chr5-147478814-A-G.
Other names: c.1028A>G, p.Glu343Gly (NM_001127698.2, NM_001127699.2); short protein forms E343G.
Identifiers: ClinVar variation 1438226 (VCV001438226.8), dbSNP rs745601984, ClinGen allele CA3495444.
Genomic context (GRCh38, chr5:148,099,251, plus strand): 5'-TGTTTGTTCCTAATGGATCTGCTTCTTTTTCCCTCTTATTCAGCCAAGCAGAAAATGAAG[A>G]AAAGAAAAAGGCTGAAGCACGAGCTAGAAACAAAAGAGAATCTGGAAAAGCAACCTCATA-3'
Protein context (NP_006837.2, residues 333-353): CQAYFQAENE[Glu343Gly]KKKAEARARN

ClinVar aggregate classification (germline): Uncertain significance (1 of 4 stars; one submission).

Conditions:
Ichthyosis linearis circumflexa. Identifiers: MedGen C0265962, MONDO:0043106, HP:0025810.

Allele frequency attached by ClinVar (database versions not stated): gnomAD exomes below 0.00001; ExAC 0.00001.
gnomAD v4.1: 2 of 1,611,150 alleles (0.00012%); highest among the groups gnomAD compares: Middle Eastern, 0.017%; no homozygotes.

Submission:

Labcorp Genetics (formerly Invitae), Labcorp
Classification: Uncertain significance for Ichthyosis linearis circumflexa. Last evaluated: 2021-04-23. Review status: criteria provided, single submitter. Criteria: Invitae Variant Classification Sherloc (09022015). Collection method: clinical testing. Allele origin: germline.
Comment: This variant has not been reported in the literature in individuals with SPINK5-related conditions. In summary, the available evidence is currently insufficient to determine the role of this variant in disease. Therefore, it has been classified as a Variant of Uncertain Significance. Algorithms developed to predict the effect of missense changes on protein structure and function are either unavailable or do not agree on the potential impact of this missense change (SIFT: "Deleterious"; PolyPhen-2: "Benign"; Align-GVGD: "Class C0"). This variant is present in population databases (rs745601984, ExAC 0.007%). This sequence change replaces glutamic acid with glycine at codon 343 of the SPINK5 protein (p.Glu343Gly). The glutamic acid residue is highly conserved and there is a moderate physicochemical difference between glutamic acid and glycine.